The following is an entry in ClinVar:

NM_001348768.2(HECW2):c.2610G>A (p.Met870Ile)

Gene: HECW2 (HECT, C2 and WW domain containing E3 ubiquitin protein ligase 2; minus strand). Cytogenetic location: 2q32.3.
Variant type: single nucleotide variant.
Coding change: c.2610G>A on transcript NM_001348768.2 (MANE Select); coding-DNA position 2610, G replaced by A.
Protein change: p.Met870Ile; replaces methionine 870 with isoleucine.
Molecular consequence: missense variant.
Genome position (GRCh38, 1-based): chr2:196,307,209, C>T on the plus strand (G>A on the coding strand, the complement: HECW2 is on the minus strand). VCF-style: chr2-196307209-C-T. GRCh37 (hg19) VCF-style: chr2-197171933-C-T.
Other names: c.1542G>A, p.Met514Ile (NM_001304840.3); c.2610G>A, p.Met870Ile (NM_020760.4); short protein forms M870I, M514I.
Identifiers: ClinVar variation 4980232 (VCV004980232.1).

ClinVar aggregate classification (germline): Likely benign (1 of 4 stars; one submission).

Conditions:
HECW2-related disorder. Also called: HECW2-related condition.

gnomAD v4.1: 32 of 1,613,188 alleles (0.002%); highest among the groups gnomAD compares: Admixed American, 0.0033%; no homozygotes.

Submission:

PreventionGenetics, part of Exact Sciences
Classification: Likely benign for HECW2-related condition. Last evaluated: 2025-11-05. Review status: criteria provided, single submitter. Criteria: ACMG Guidelines, 2015. Collection method: clinical testing. Allele origin: germline.
Comment: This variant is classified as likely benign based on ACMG/AMP sequence variant interpretation guidelines (Richards et al. 2015 PMID: 25741868, with internal and published modifications).